The following is an entry in ClinVar:

NM_004715.5(CTDP1):c.2467G>A (p.Ala823Thr)

Gene: CTDP1 (CTD phosphatase subunit 1; plus strand). Cytogenetic location: 18q23.
Variant type: single nucleotide variant.
Coding change: c.2467G>A on transcript NM_004715.5 (MANE Select); coding-DNA position 2467, G replaced by A.
Protein change: p.Ala823Thr; replaces alanine 823 with threonine.
Molecular consequence: missense variant. On other transcripts: intron variant (1).
Genome position (GRCh38, 1-based): chr18:79,728,956, G>A. VCF-style: chr18-79728956-G-A. GRCh37 (hg19) VCF-style: chr18-77488956-G-A.
Other names: c.2110G>A, p.Ala704Thr (NM_001202504.1); c.2467G>A, p.Ala823Thr (NM_001318511.2); c.2418-7399G>A (NM_048368.4); short protein forms A823T, A704T.
Identifiers: ClinVar variation 1976680 (VCV001976680.4), dbSNP rs774116308, ClinGen allele CA9010618.

ClinVar aggregate classification (germline): Uncertain significance. Review status: criteria provided, multiple submitters, no conflicts (2 of 4 stars). 2 submissions from 2 submitters: Uncertain significance (2). Last evaluated 2025-04-03.

Allele frequency attached by ClinVar (database versions not stated): gnomAD 0.00002; TOPMed 0.00001.
gnomAD v4.1: 16 of 1,614,052 alleles (0.00099%); highest among the groups gnomAD compares: African/African-American, 0.004%; no homozygotes.

Submissions (2):

Ambry Genetics
Classification: Uncertain significance. Last evaluated: 2025-04-03. Review status: criteria provided, single submitter. Criteria: Ambry Variant Classification Scheme 2023. Collection method: clinical testing. Allele origin: germline.

Labcorp Genetics (formerly Invitae), Labcorp
Classification: Uncertain significance. Last evaluated: 2022-01-13. Review status: criteria provided, single submitter. Criteria: Invitae Variant Classification Sherloc (09022015). Collection method: clinical testing. Allele origin: germline.
Comment: This sequence change replaces alanine, which is neutral and non-polar, with threonine, which is neutral and polar, at codon 823 of the CTDP1 protein (p.Ala823Thr). This variant is present in population databases (rs774116308, gnomAD 0.007%). This variant has not been reported in the literature in individuals affected with CTDP1-related conditions. Algorithms developed to predict the effect of missense changes on protein structure and function output the following: SIFT: "Tolerated"; PolyPhen-2: "Benign"; Align-GVGD: "Class C0". The threonine amino acid residue is found in multiple mammalian species, which suggests that this missense change does not adversely affect protein function. In summary, the available evidence is currently insufficient to determine the role of this variant in disease. Therefore, it has been classified as a Variant of Uncertain Significance.